The following is an entry in ClinVar:

ClinVar aggregate classification (germline): Uncertain significance (1 of 4 stars; one submission).

Conditions:
Renal cell carcinoma. Identifiers: Orphanet 217071, MedGen C0007134, MeSH D002292, MONDO:0005086, HP:0005584.

Submission:

Labcorp Genetics (formerly Invitae), Labcorp
Classification: Uncertain significance for Renal cell carcinoma. Last evaluated: 2023-06-15. Review status: criteria provided, single submitter. Criteria: Invitae Variant Classification Sherloc (09022015). Collection method: clinical testing. Allele origin: germline.
Comment: Advanced modeling of protein sequence and biophysical properties (such as structural, functional, and spatial information, amino acid conservation, physicochemical variation, residue mobility, and thermodynamic stability) performed at Invitae indicates that this missense variant is expected to disrupt MET protein function. In summary, the available evidence is currently insufficient to determine the role of this variant in disease. Therefore, it has been classified as a Variant of Uncertain Significance. This variant has not been reported in the literature in individuals affected with MET-related conditions. This variant is not present in population databases (gnomAD no frequency). This sequence change replaces proline, which is neutral and non-polar, with threonine, which is neutral and polar, at codon 325 of the MET protein (p.Pro325Thr).

NM_000245.4(MET):c.973C>A (p.Pro325Thr)

Gene: MET (MET proto-oncogene, receptor tyrosine kinase; plus strand). Cytogenetic location: 7q31.2.
Variant type: single nucleotide variant.
Coding change: c.973C>A on transcript NM_000245.4 (MANE Select); coding-DNA position 973, C replaced by A.
Protein change: p.Pro325Thr; replaces proline 325 with threonine.
Molecular consequence: missense variant. On other transcripts: intron variant (1).
Genome position (GRCh38, 1-based): chr7:116,700,057, C>A. VCF-style: chr7-116700057-C-A. GRCh37 (hg19) VCF-style: chr7-116340111-C-A.
Other names: c.973C>A, p.Pro325Thr (NM_001127500.3, NM_001324401.3); c.-91+27480C>A (NM_001324402.2); short protein forms P325T.
Identifiers: ClinVar variation 2716548 (VCV002716548.3), dbSNP rs1254707965, ClinGen allele CA368970264.